The following is an entry in ClinVar:

ClinVar aggregate classification (germline): Uncertain significance (1 of 4 stars; one submission).

Submission:

GeneDx
Classification: Uncertain significance. Last evaluated: 2024-07-31. Review status: criteria provided, single submitter. Criteria: GeneDx Variant Classification Process June 2021. Collection method: clinical testing. Allele origin: germline. Affected: yes.
Comment: Not observed at significant frequency in large population cohorts (gnomAD); In silico analysis supports that this missense variant has a deleterious effect on protein structure/function; Has not been previously published as pathogenic or benign to our knowledge

NM_015355.4(SUZ12):c.1412A>C (p.His471Pro)

Gene: SUZ12 (SUZ12 polycomb repressive complex 2 subunit; plus strand). Cytogenetic location: 17q11.2.
Variant type: single nucleotide variant.
Coding change: c.1412A>C on transcript NM_015355.4 (MANE Select); coding-DNA position 1412, A replaced by C.
Protein change: p.His471Pro; replaces histidine 471 with proline.
Molecular consequence: missense variant.
Genome position (GRCh38, 1-based): chr17:31,993,983, A>C. VCF-style: chr17-31993983-A-C. GRCh37 (hg19) VCF-style: chr17-30321002-A-C.
Other names: c.1343A>C, p.His448Pro (NM_001321207.2); short protein forms H448P, H471P.
Identifiers: ClinVar variation 3602547 (VCV003602547.1).
Genomic context (GRCh38, chr17:31,993,983, plus strand): 5'-CTTGGTGTACTCTGAACTGCCGCAAACTTTATAGTTTACTCAAGCATCTTAAACTCTGCC[A>C]TAGCAGATTTATCTTCAACTATGTTGTGAGTAATTTTTCATATTTTCTCAATTTGTGTTA-3'
Protein context (NP_056170.2, residues 461-481): YSLLKHLKLC[His471Pro]SRFIFNYVYH